The following is an entry in ClinVar:

NM_004370.6(COL12A1):c.3664A>G (p.Ile1222Val)

Gene: COL12A1 (collagen type XII alpha 1 chain; minus strand). Cytogenetic location: 6q13.
Variant type: single nucleotide variant.
Coding change: c.3664A>G on transcript NM_004370.6 (MANE Select); coding-DNA position 3664, A replaced by G.
Protein change: p.Ile1222Val; replaces isoleucine 1222 with valine.
Molecular consequence: missense variant.
Genome position (GRCh38, 1-based): chr6:75,152,384, T>C on the plus strand (A>G on the coding strand, the complement: COL12A1 is on the minus strand). VCF-style: chr6-75152384-T-C. GRCh37 (hg19) VCF-style: chr6-75862100-T-C.
Other names: c.3664A>G, p.Ile1222Val (NM_001424113.1, NM_001424114.1); c.3391A>G, p.Ile1131Val (NM_001424115.1); c.172A>G, p.Ile58Val (NM_001424116.1, NM_080645.3); c.3664A>G (NM_004370.5); short protein forms I1222V, I58V, I1131V.
Identifiers: ClinVar variation 4788369 (VCV004788369.2).

ClinVar aggregate classification (germline): Conflicting classifications of pathogenicity. Review status: criteria provided, conflicting classifications (1 of 4 stars). 2 submissions from 2 submitters: Uncertain significance (1); Likely benign (1). Last evaluated 2026-04-02.

Conditions:
Ullrich congenital muscular dystrophy 2 (UCMD2). Identifiers: Orphanet 75840, MedGen C4225314, MONDO:0014654, OMIM 616470.
Bethlem myopathy 2 (BTHLM2). Identifiers: Orphanet 536516, Orphanet 610, MedGen C4225313, MONDO:0034022, OMIM 616471.
COL12A1-related disorder. Also called: COL12A1-related condition.

gnomAD v4.1: 5 of 1,613,606 alleles (0.00031%); highest among the groups gnomAD compares: East Asian, 0.0022%; no homozygotes.

Submissions (2):

PreventionGenetics, part of Exact Sciences
Classification: Uncertain significance for COL12A1-related condition. Last evaluated: 2026-04-02. Review status: criteria provided, single submitter. Criteria: ACMG Guidelines, 2015. Collection method: clinical testing. Allele origin: germline.
Comment: The COL12A1 c.3664A>G variant is predicted to result in the amino acid substitution p.Ile1222Val. To our knowledge, this variant has not been reported in the literature. This variant is reported in 0.0056% of alleles in individuals of East Asian descent in gnomAD. At this time, the clinical significance of this variant is uncertain due to the absence of conclusive functional and genetic evidence.

Labcorp Genetics (formerly Invitae), Labcorp
Classification: Likely benign for Bethlem myopathy 2; Ullrich congenital muscular dystrophy 2. Last evaluated: 2025-02-25. Review status: criteria provided, single submitter. Criteria: Invitae Variant Classification Sherloc (09022015). Collection method: clinical testing. Allele origin: germline.